The following is an entry in ClinVar:

ClinVar aggregate classification (germline): Uncertain significance (1 of 4 stars; one submission).

Conditions:
Symmetrical dyschromatosis of extremities (DSH). Also called: DYSCHROMATOSIS SYMMETRICA HEREDITARIA 1; RETICULATE ACROPIGMENTATION OF DOHI; SYMMETRIC DYSCHROMATOSIS OF THE EXTREMITIES; Dyschromatosis symmetrica hereditaria. Identifiers: Orphanet 41, MedGen C0406775, MONDO:0007483, OMIM 127400.
Aicardi-Goutieres syndrome 6 (AGS6). Identifiers: Orphanet 51, MedGen C3539013, MONDO:0014007, OMIM 615010.

Submission:

Labcorp Genetics (formerly Invitae), Labcorp
Classification: Uncertain significance for Aicardi-Goutieres syndrome 6; Symmetrical dyschromatosis of extremities. Last evaluated: 2025-02-15. Review status: criteria provided, single submitter. Criteria: Invitae Variant Classification Sherloc (09022015). Collection method: clinical testing. Allele origin: germline.
Comment: This sequence change replaces leucine, which is neutral and non-polar, with phenylalanine, which is neutral and non-polar, at codon 1168 of the ADAR protein (p.Leu1168Phe). This variant is not present in population databases (gnomAD no frequency). This variant has not been reported in the literature in individuals affected with ADAR-related conditions. Invitae Evidence Modeling of protein sequence and biophysical properties (such as structural, functional, and spatial information, amino acid conservation, physicochemical variation, residue mobility, and thermodynamic stability) has been performed for this missense variant. However, the output from this modeling did not meet the statistical confidence thresholds required to predict the impact of this variant on ADAR protein function. In summary, the available evidence is currently insufficient to determine the role of this variant in disease. Therefore, it has been classified as a Variant of Uncertain Significance.

NM_001111.5(ADAR):c.3502C>T (p.Leu1168Phe)

Gene: ADAR (adenosine deaminase RNA specific; minus strand). Cytogenetic location: 1q21.3.
Variant type: single nucleotide variant.
Coding change: c.3502C>T on transcript NM_001111.5 (MANE Select); coding-DNA position 3502, C replaced by T.
Protein change: p.Leu1168Phe; replaces leucine 1168 with phenylalanine.
Molecular consequence: missense variant.
Genome position (GRCh38, 1-based): chr1:154,584,985, G>A on the plus strand (C>T on the coding strand, the complement: ADAR is on the minus strand). VCF-style: chr1-154584985-G-A. GRCh37 (hg19) VCF-style: chr1-154557461-G-A.
Other names: c.2617C>T, p.Leu873Phe (NM_001025107.3, NM_001193495.2, NM_001365046.1 and 2 more transcripts); c.3529C>T, p.Leu1177Phe (NM_001365045.1); c.2539C>T, p.Leu847Phe (NM_001365049.1); c.3424C>T, p.Leu1142Phe (NM_015840.4); c.3367C>T, p.Leu1123Phe (NM_015841.4); short protein forms L1142F, L1177F, L847F, L873F, L1123F, L1168F.
Identifiers: ClinVar variation 4792931 (VCV004792931.1).